The following is an entry in ClinVar:

ClinVar aggregate classification (germline): Likely benign (1 of 4 stars; one submission).

Allele frequency attached by ClinVar (database versions not stated): gnomAD exomes 0.00002.
gnomAD v4.1: 13 of 1,614,068 alleles (0.00081%); highest among the groups gnomAD compares: Non-Finnish European, 0.0011%; no homozygotes.

Submission:

CeGaT Center for Human Genetics Tuebingen
Classification: Likely benign. Last evaluated: 2023-10-01. Review status: criteria provided, single submitter. Criteria: CeGaT Center For Human Genetics Tuebingen Variant Classification Criteria Version 2. Collection method: clinical testing. Allele origin: germline. Affected: yes. Observed: 1 variant allele.
Comment: BPTF: PM2:Supporting, BP4, BP7

NM_182641.4(BPTF):c.2076A>G (p.Gln692=)

Gene: BPTF (bromodomain PHD finger transcription factor; plus strand). Cytogenetic location: 17q24.2.
Variant type: single nucleotide variant.
Coding change: c.2076A>G on transcript NM_182641.4 (MANE Select); coding-DNA position 2076, A replaced by G.
Protein change: p.Gln692=; no amino-acid change (glutamine 692 retained).
Molecular consequence: synonymous variant.
Genome position (GRCh38, 1-based): chr17:67,893,390, A>G. VCF-style: chr17-67893390-A-G. GRCh37 (hg19) VCF-style: chr17-65889506-A-G.
Other names: c.2454A>G, p.Gln818= (NM_004459.7).
Identifiers: ClinVar variation 2648127 (VCV002648127.24), dbSNP rs2510964807, ClinGen allele CA501496567.